The following is an entry in ClinVar:

ClinVar aggregate classification (germline): Uncertain significance (1 of 4 stars; one submission).

Submission:

Labcorp Genetics (formerly Invitae), Labcorp
Classification: Uncertain significance. Last evaluated: 2021-11-27. Review status: criteria provided, single submitter. Criteria: Invitae Variant Classification Sherloc (09022015). Collection method: clinical testing. Allele origin: germline.
Comment: Algorithms developed to predict the effect of missense changes on protein structure and function are either unavailable or do not agree on the potential impact of this missense change (SIFT: "Deleterious"; PolyPhen-2: "Probably Damaging"; Align-GVGD: "Class C0"). This missense change has been observed in individual(s) with clinical features of hypogonadotropic hypogonadism (Invitae). This variant is not present in population databases (gnomAD no frequency). This sequence change replaces tyrosine, which is neutral and polar, with serine, which is neutral and polar, at codon 283 of the GNRHR protein (p.Tyr283Ser). This variant disrupts the p.Tyr283 amino acid residue in GNRHR. Other variant(s) that disrupt this residue have been observed in individuals with GNRHR-related conditions (PMID: 23295295, 28611058), which suggests that this may be a clinically significant amino acid residue. In summary, the available evidence is currently insufficient to determine the role of this variant in disease. Therefore, it has been classified as a Variant of Uncertain Significance.

Literature cited by the submitters: PubMed 23295295; PubMed 28611058.

NM_000406.3(GNRHR):c.848A>C (p.Tyr283Ser)

Gene: GNRHR (gonadotropin releasing hormone receptor; minus strand). Cytogenetic location: 4q13.2.
Variant type: single nucleotide variant.
Coding change: c.848A>C on transcript NM_000406.3 (MANE Select); coding-DNA position 848, A replaced by C.
Protein change: p.Tyr283Ser; replaces tyrosine 283 with serine.
Molecular consequence: missense variant. On other transcripts: synonymous variant (1).
Genome position (GRCh38, 1-based): chr4:67,740,619, T>G on the plus strand (A>C on the coding strand, the complement: GNRHR is on the minus strand). VCF-style: chr4-67740619-T-G. GRCh37 (hg19) VCF-style: chr4-68606337-T-G.
Other names: c.720A>C, p.Leu240= (NM_001012763.2); short protein forms Y283S.
Identifiers: ClinVar variation 2002400 (VCV002002400.4), dbSNP rs2475774004, ClinGen allele CA357047786.